The following is an entry in ClinVar:

NM_007214.5(SEC63):c.1327C>T (p.Pro443Ser)

Gene: SEC63 (SEC63 protein translocation regulator; minus strand). Cytogenetic location: 6q21.
Variant type: single nucleotide variant.
Coding change: c.1327C>T on transcript NM_007214.5 (MANE Select); coding-DNA position 1327, C replaced by T.
Protein change: p.Pro443Ser; replaces proline 443 with serine.
Molecular consequence: missense variant.
Genome position (GRCh38, 1-based): chr6:107,901,400, G>A on the plus strand (C>T on the coding strand, the complement: SEC63 is on the minus strand). VCF-style: chr6-107901400-G-A. GRCh37 (hg19) VCF-style: chr6-108222604-G-A.
Other names: short protein forms P443S.
Identifiers: ClinVar variation 3649763 (VCV003649763.2).
Genomic context (GRCh38, chr6:107,901,400, plus strand): 5'-CAATGCTCAACAGAGAAACCTCCCACTTACCCTGTGATTTTATATCCATGGTCACATATG[G>A]AAAACTCCCAAGGACAGCCATAACCTCTTCATATTTTTCATCTTCAAGGAAGTGCAGTAG-3'
Protein context (NP_009145.1, residues 433-453): EEVMAVLGSF[Pro443Ser]YVTMDIKSQV

ClinVar aggregate classification (germline): Uncertain significance (1 of 4 stars; one submission).

Submission:

Labcorp Genetics (formerly Invitae), Labcorp
Classification: Uncertain significance. Last evaluated: 2025-02-25. Review status: criteria provided, single submitter. Criteria: Invitae Variant Classification Sherloc (09022015). Collection method: clinical testing. Allele origin: germline.
Comment: This sequence change replaces proline, which is neutral and non-polar, with serine, which is neutral and polar, at codon 443 of the SEC63 protein (p.Pro443Ser). This variant is not present in population databases (gnomAD no frequency). This variant has not been reported in the literature in individuals affected with SEC63-related conditions. An algorithm developed to predict the effect of missense changes on protein structure and function (PolyPhen-2) suggests that this variant is likely to be disruptive. In summary, the available evidence is currently insufficient to determine the role of this variant in disease. Therefore, it has been classified as a Variant of Uncertain Significance.